The following is an entry in ClinVar:

ClinVar aggregate classification (germline): Pathogenic (1 of 4 stars; one submission).

Conditions:
Developmental and epileptic encephalopathy. Identifiers: MedGen C5779964, MONDO:0100620.

Submission:

Labcorp Genetics (formerly Invitae), Labcorp
Classification: Pathogenic for Early-infantile DEE. Last evaluated: 2023-12-18. Review status: criteria provided, single submitter. Criteria: Invitae Variant Classification Sherloc (09022015). Collection method: clinical testing. Allele origin: germline.
Comment: This variant is a gross deletion of the genomic region encompassing exon(s) 2-10 of the KCNQ2 gene. This variant would be expected to be in-frame, preserving the integrity of the reading frame. This variant has not been reported in the literature in individuals affected with KCNQ2-related conditions. This variant disrupts a region of the KCNQ2 protein in which other variant(s) (p.Ala306Thr) have been determined to be pathogenic (PMID: 9425895, 14534157, 24375629). This suggests that this is a clinically significant region of the protein, and that variants that disrupt it are likely to be disease-causing. For these reasons, this variant has been classified as Pathogenic.

Literature cited by the submitters: PubMed 9425895; PubMed 14534157; PubMed 24375629.

NC_000020.10:g.(?_62059700)_(62078210_?)del

Gene: KCNQ2 (potassium voltage-gated channel subfamily Q member 2; minus strand). Cytogenetic location: 20q13.33.
Variant type: Deletion.
Identifiers: ClinVar variation 2427469 (VCV002427469.4).